The following is an entry in ClinVar:

ClinVar aggregate classification (germline): Conflicting classifications of pathogenicity. Review status: criteria provided, conflicting classifications (1 of 4 stars). 2 submissions from 2 submitters: Uncertain significance (1); Likely benign (1). Last evaluated 2024-10-05.

Conditions:
Hereditary cancer-predisposing syndrome. Also called: Tumor predisposition; Hereditary neoplastic syndrome; Hereditary Cancer Syndrome; Neoplastic Syndromes, Hereditary. Identifiers: Orphanet 140162, MedGen C0027672, MeSH D009386, MONDO:0015356.
Chuvash polycythemia. Also called: POLYCYTHEMIA, VHL-DEPENDENT. Identifiers: Orphanet 238557, MedGen C1837915, MONDO:0009892, OMIM 263400.
Von Hippel-Lindau syndrome (VHLS). Also called: Von Hippel-Lindau; von Hippel–Lindau syndrome; VHL syndrome. Identifiers: Orphanet 892, MedGen C0019562, MONDO:0008667, OMIM 193300. Disease mechanism: loss of function.

gnomAD v4.1: 7 of 1,597,012 alleles (0.00044%); highest among the groups gnomAD compares: Non-Finnish European, 0.00059%; no homozygotes.

Submissions (2):

Ambry Genetics
Classification: Uncertain significance for Hereditary cancer-predisposing syndrome. Last evaluated: 2024-10-05. Review status: criteria provided, single submitter. Criteria: Ambry Variant Classification Scheme 2023. Collection method: clinical testing. Allele origin: germline.
Comment: The c.340+5G>A intronic variant results from a G to A substitution 5 nucleotides after coding exon 1 in the VHL gene. This nucleotide position is well conserved in available vertebrate species. In silico splice site analysis predicts that this alteration will not have any significant effect on splicing. Based on the available evidence, the clinical significance of this variant remains unclear.

Labcorp Genetics (formerly Invitae), Labcorp
Classification: Likely benign for Von Hippel-Lindau syndrome; Chuvash polycythemia. Last evaluated: 2024-08-28. Review status: criteria provided, single submitter. Criteria: Invitae Variant Classification Sherloc (09022015). Collection method: clinical testing. Allele origin: germline.

NM_000551.4(VHL):c.340+5G>A

Gene: VHL (von Hippel-Lindau tumor suppressor; plus strand). Cytogenetic location: 3p25.3.
Variant type: single nucleotide variant.
Coding change: c.340+5G>A on transcript NM_000551.4 (MANE Select); 5 bases into the intron after coding-DNA position 340, G replaced by A.
Molecular consequence: intron variant.
Genome position (GRCh38, 1-based): chr3:10,142,192, G>A. VCF-style: chr3-10142192-G-A. GRCh37 (hg19) VCF-style: chr3-10183876-G-A.
Other names: c.340+5G>A (NM_000551.3, NM_001354723.2, NM_198156.3).
Identifiers: ClinVar variation 1447863 (VCV001447863.7), dbSNP rs61758376, ClinGen allele CA1345066584.